The following is an entry in ClinVar:

NM_020822.3(KCNT1):c.1619A>G (p.Gln540Arg)

Gene: KCNT1 (potassium sodium-activated channel subfamily T member 1; plus strand). Cytogenetic location: 9q34.3.
Variant type: single nucleotide variant.
Coding change: c.1619A>G on transcript NM_020822.3 (MANE Select); coding-DNA position 1619, A replaced by G.
Protein change: p.Gln540Arg; replaces glutamine 540 with arginine.
Molecular consequence: missense variant.
Genome position (GRCh38, 1-based): chr9:135,770,055, A>G. VCF-style: chr9-135770055-A-G. GRCh37 (hg19) VCF-style: chr9-138661901-A-G.
Other names: c.1619A>G (NM_020822.2); c.1484A>G, p.Gln495Arg (NM_001272003.2); short protein forms Q495R, Q540R.
Identifiers: ClinVar variation 998535 (VCV000998535.10), dbSNP rs1446587740, ClinGen allele CA375506055.
Genomic context (GRCh38, chr9:135,770,055, plus strand): 5'-ACTGCATCTGCCCGGCGACCTCCACCCTCATCACCCTGCTGGTGCACACGTCCCGCGGCC[A>G]GTGAGTGCCCCGTGCCCCGGGGGACCGACCTCCATGGCGGGGCCGGCGCAGGGAGACAAC-3'
Protein context (NP_065873.2, residues 530-550): ITLLVHTSRG[Gln540Arg]EGQESPEQWQ

ClinVar aggregate classification (germline): Uncertain significance. Review status: criteria provided, multiple submitters, no conflicts (2 of 4 stars). 2 submissions from 2 submitters: Uncertain significance (2). Last evaluated 2022-11-22.

Conditions:
Autosomal dominant nocturnal frontal lobe epilepsy 5. Also called: KCNT1-Related Epilepsy; CILIARY DYSKINESIA, PRIMARY, 28, WITHOUT SITUS INVERSUS; CILIARY DYSKINESIA, PRIMARY, 28, WITH SITUS INVERSUS; Epilepsy, nocturnal frontal lobe, 5. Identifiers: Orphanet 98784, MedGen C3554306, MONDO:0014002, OMIM 615005.
Developmental and epileptic encephalopathy, 14 (DEE14). Also called: Early infantile epileptic encephalopathy 14. Identifiers: Orphanet 293181, MedGen C3554195, MONDO:0013989, OMIM 614959.
Inborn genetic diseases. Identifiers: MedGen C0950123, MeSH D030342.

Allele frequency attached by ClinVar (database versions not stated): gnomAD 0.00001; gnomAD exomes 0.00001.
gnomAD v4.1: 13 of 1,548,952 alleles (0.00084%); highest among the groups gnomAD compares: African/African-American, 0.0027%; no homozygotes.

Submissions (2):

Labcorp Genetics (formerly Invitae), Labcorp
Classification: Uncertain significance for Autosomal dominant nocturnal frontal lobe epilepsy 5; Developmental and epileptic encephalopathy, 14. Last evaluated: 2022-11-22. Review status: criteria provided, single submitter. Criteria: Invitae Variant Classification Sherloc (09022015). Collection method: clinical testing. Allele origin: germline.
Comment: ClinVar contains an entry for this variant (Variation ID: 998535). In summary, the available evidence is currently insufficient to determine the role of this variant in disease. Therefore, it has been classified as a Variant of Uncertain Significance. Algorithms developed to predict the effect of missense changes on protein structure and function (SIFT, PolyPhen-2, Align-GVGD) all suggest that this variant is likely to be tolerated. This variant has not been reported in the literature in individuals affected with KCNT1-related conditions. This variant is not present in population databases (gnomAD no frequency). This sequence change replaces glutamine, which is neutral and polar, with arginine, which is basic and polar, at codon 540 of the KCNT1 protein (p.Gln540Arg).

Ambry Genetics
Classification: Uncertain significance for Inborn genetic diseases. Last evaluated: 2021-01-26. Review status: criteria provided, single submitter. Criteria: Ambry Variant Classification Scheme 2023. Collection method: clinical testing. Allele origin: germline.
Comment: The c.1619A>G (p.Q540R) alteration is located in exon 16 (coding exon 16) of the KCNT1 gene. This alteration results from a A to G substitution at nucleotide position 1619, causing the glutamine (Q) at amino acid position 540 to be replaced by an arginine (R). The p.Q540R alteration is predicted to be tolerated by in silico analysis. Based on insufficient or conflicting evidence, the clinical significance of this alteration remains unclear.